The following is an entry in ClinVar:

ClinVar aggregate classification (germline): Benign/Likely benign. Review status: criteria provided, multiple submitters, no conflicts (2 of 4 stars). 4 submissions from 4 submitters: Benign (2); Likely benign (2). Last evaluated 2024-10-07.

Conditions:
Exostoses, multiple, type 2 (EXT2). Also called: Hereditary Multiple Osteochondromatosis, Type II; EXOSTOSES, MULTIPLE, TYPE II. Identifiers: Orphanet 321, MedGen C1851413, MONDO:0007586, OMIM 133701.

Allele frequency attached by ClinVar (database versions not stated): gnomAD 0.00371 and 0.00496; gnomAD exomes 0.00551; TOPMed 0.00650; 1000 Genomes Project 30x 0.01265; 1000 Genomes Project 0.01358.
gnomAD v4.1: 8,681 of 1,592,502 alleles (0.55%); highest among the groups gnomAD compares: East Asian, 7.5%; 258 homozygotes.

Submissions (4):

Labcorp Genetics (formerly Invitae), Labcorp
Classification: Benign for Exostoses, multiple, type 2. Last evaluated: 2024-10-07. Review status: criteria provided, single submitter. Criteria: Invitae Variant Classification Sherloc (09022015). Collection method: clinical testing. Allele origin: germline.

Illumina Laboratory Services, Illumina
Classification: Likely benign for Exostoses, multiple, type 2. Last evaluated: 2017-04-27. Review status: criteria provided, single submitter. Criteria: ICSL Variant Classification Criteria 13 December 2019. Collection method: clinical testing. Allele origin: germline.
Comment: This variant was observed as part of a predisposition screen in an ostensibly healthy population. A literature search was performed for the gene, cDNA change, and amino acid change (where applicable). No publications were found based on this search. Allele frequency data from public databases allowed determination this variant is unlikely to cause disease. Therefore, this variant is classified as likely benign.

Breakthrough Genomics
Classification: Likely benign. Review status: criteria provided, single submitter. Criteria: ACMG Guidelines, 2015. Collection method: not provided. Allele origin: germline. Inheritance: Autosomal recessive inheritance. Affected: yes.

PreventionGenetics, part of Exact Sciences
Classification: Benign. Review status: criteria provided, single submitter. Criteria: ACMG Guidelines, 2015. Collection method: clinical testing. Allele origin: germline.

NM_207122.2(EXT2):c.*56G>A

Gene: EXT2 (exostosin glycosyltransferase 2; plus strand). Cytogenetic location: 11p11.2.
Variant type: single nucleotide variant.
Coding change: c.*56G>A on transcript NM_207122.2 (MANE Select); 56 bases downstream of the stop codon, G replaced by A.
Molecular consequence: 3 prime UTR variant.
Genome position (GRCh38, 1-based): chr11:44,244,343, G>A. VCF-style: chr11-44244343-G-A. GRCh37 (hg19) VCF-style: chr11-44265893-G-A.
Other names: c.*56G>A (NM_000401.3, NM_001178083.3, NM_001389628.1 and 1 more transcripts).
Identifiers: ClinVar variation 263285 (VCV000263285.14), dbSNP rs77554103, ClinGen allele CA10587119.